The following is an entry in ClinVar:

NM_016239.4(MYO15A):c.7207G>T (p.Asp2403Tyr)

Gene: MYO15A (myosin XVA; plus strand). Cytogenetic location: 17p11.2.
Variant type: single nucleotide variant.
Coding change: c.7207G>T on transcript NM_016239.4 (MANE Select); coding-DNA position 7207, G replaced by T.
Protein change: p.Asp2403Tyr; replaces aspartic acid 2403 with tyrosine.
Molecular consequence: missense variant.
Genome position (GRCh38, 1-based): chr17:18,149,575, G>T. VCF-style: chr17-18149575-G-T. GRCh37 (hg19) VCF-style: chr17-18052889-G-T.
Other names: short protein forms D2403Y.
Identifiers: ClinVar variation 236037 (VCV000236037.8), dbSNP rs878853227, ClinGen allele CA10581512.
Genomic context (GRCh38, chr17:18,149,575, plus strand): 5'-CCCCACAAGGGGCTGGACTGCTACCTGGATAGCCTCTTTGACCCTGTGCTGTCCTACGGG[G>T]ATGCGGTAGGGATGGTGTGGGGTGGGTCATTTGCAGACAGCAGGCACAGCATGTACACCC-3'
Protein context (NP_057323.3, residues 2393-2413): SLFDPVLSYG[Asp2403Tyr]ADLEKPTAIA

ClinVar aggregate classification (germline): Pathogenic/Likely pathogenic. Review status: criteria provided, multiple submitters, no conflicts (2 of 4 stars). 6 submissions from 6 submitters: Pathogenic (3); Likely pathogenic (1). 2 of the submissions do not count toward it. Last evaluated 2024-04-02.

Conditions:
Autosomal recessive nonsyndromic hearing loss 3. Also called: NEUROSENSORY NONSYNDROMIC RECESSIVE DEAFNESS 3. Identifiers: Orphanet 90636, MedGen C1838263, MONDO:0010860, OMIM 600316.

Allele frequency attached by ClinVar (database versions not stated): gnomAD exomes below 0.00001.
gnomAD v4.1: 1 of 1,613,946 alleles (0.000062%); highest among the groups gnomAD compares: Non-Finnish European, 0.000085%; no homozygotes.

Submissions (6):

Fulgent Genetics
Classification: Pathogenic for Autosomal recessive nonsyndromic hearing loss 3. Last evaluated: 2024-04-02. Review status: criteria provided, single submitter. Criteria: ACMG Guidelines, 2015. Collection method: clinical testing. Allele origin: germline.

Women's Health and Genetics/Laboratory Corporation of America, LabCorp
Classification: Pathogenic for Autosomal recessive nonsyndromic hearing loss 3. Last evaluated: 2024-04-02. Review status: criteria provided, single submitter. Criteria: LabCorp Variant Classification Summary - May 2015. Collection method: clinical testing. Allele origin: germline.
Comment: Variant summary: MYO15A c.7207G>T (p.Asp2403Tyr) results in a non-conservative amino acid change in the encoded protein sequence. Three of five in-silico tools predict a damaging effect of the variant on protein function. Several computational tools predict a significant impact on normal splicing: Four predict the variant creates a cryptic exonic 5' splicing donor site in exon 35 that would correspond to an RNA change of r.7206_7218del, translating to p.Asp2403Thrfs*12. However, to our knowledge, these predictions have yet to be confirmed by functional studies. The variant was absent in 249528 control chromosomes. c.7207G>T has been reported in the literature as the most common non-GJB2 hearing-loss mutation in the Palestinian population in homozygous and compound heterozygous genotypes in multiple individuals affected with early onset pre-lingual hearing loss (example, Abu Rayyan_2020). These data indicate that the variant is very likely to be associated with disease. To our knowledge, no experimental evidence demonstrating an impact on protein function has been reported. The following publication has been ascertained in the context of this evaluation (PMID: 32747562). ClinVar contains an entry for this variant (Variation ID: 236037). Based on the evidence outlined above, the variant was classified as pathogenic.

Labcorp Genetics (formerly Invitae), Labcorp
Classification: Pathogenic. Last evaluated: 2023-04-28. Review status: criteria provided, single submitter. Criteria: Invitae Variant Classification Sherloc (09022015). Collection method: clinical testing. Allele origin: germline.
Comment: This variant is also known as c.7545G>T (Asp2403fsX2414). This missense change has been observed in individuals with deafness (PMID: 19888295, 32747562). It has also been observed to segregate with disease in related individuals. This variant is not present in population databases (gnomAD no frequency). This sequence change replaces aspartic acid, which is acidic and polar, with tyrosine, which is neutral and polar, at codon 2403 of the MYO15A protein (p.Asp2403Tyr). ClinVar contains an entry for this variant (Variation ID: 236037). For these reasons, this variant has been classified as Pathogenic. Algorithms developed to predict the effect of sequence changes on RNA splicing suggest that this variant may disrupt the consensus splice site. Advanced modeling of protein sequence and biophysical properties (such as structural, functional, and spatial information, amino acid conservation, physicochemical variation, residue mobility, and thermodynamic stability) performed at Invitae indicates that this missense variant is not expected to disrupt MYO15A protein function.

GeneDx
Classification: Likely pathogenic. Last evaluated: 2022-03-29. Review status: criteria provided, single submitter. Criteria: GeneDx Variant Classification Process June 2021. Collection method: clinical testing. Allele origin: germline. Affected: yes.
Comment: Not observed at significant frequency in large population cohorts (gnomAD); Splicing prediction indicates that there is significant damage to the natural splice site, or there is gain of a relevant cryptic site; In silico analysis supports that this missense variant has a deleterious effect on protein structure/function; This variant is associated with the following publications: (PMID: 25525159, 27375115, 30245029, 19888295, 32747562)

Hereditary Research Laboratory, Bethlehem University
Classification: Pathogenic for Autosomal recessive nonsyndromic hearing loss 3. Last evaluated: 2016-06-04. Review status: no assertion criteria provided. Collection method: research. Allele origin: germline. Affected: yes. Not counted in ClinVar's aggregate classification.
Comment: Severe to Profound

Laboratory of Prof. Karen Avraham, Tel Aviv University
Classification: Pathogenic for Autosomal recessive nonsyndromic hearing loss 3. Last evaluated: 2016-02-16. Review status: no assertion criteria provided. Collection method: research. Allele origin: germline. Affected: yes. Not counted in ClinVar's aggregate classification.
Comment: Congenital, profound HL

NSHL; recessive, DFNB3

Literature cited by the submitters: PubMed 32747562 (cited by Women's Health and Genetics/Laboratory Corporation of America, LabCorp and Labcorp Genetics (formerly Invitae), Labcorp); PubMed 19888295 (cited by Labcorp Genetics (formerly Invitae), Labcorp).